The following is an entry in ClinVar:

ClinVar aggregate classification (germline): Uncertain significance (1 of 4 stars; one submission).

Conditions:
Joubert syndrome. Also called: CEREBELLOPARENCHYMAL DISORDER IV; JOUBERT-BOLTSHAUSER SYNDROME; Familial aplasia of the vermis. Identifiers: Orphanet 475, MedGen C5979921, MONDO:0018772.
Orofaciodigital syndrome I (OFD1). Also called: OFDS I; Papillon-Leage and Psaume Syndrome; Oral-Facial-Digital Syndrome Type I. Identifiers: Orphanet 2750, MedGen C1510460, MONDO:0010702, OMIM 311200.

Submission:

Labcorp Genetics (formerly Invitae), Labcorp
Classification: Uncertain significance for Orofaciodigital syndrome I; Joubert syndrome. Last evaluated: 2022-08-16. Review status: criteria provided, single submitter. Criteria: Invitae Variant Classification Sherloc (09022015). Collection method: clinical testing. Allele origin: germline.
Comment: In summary, the available evidence is currently insufficient to determine the role of this variant in disease. Therefore, it has been classified as a Variant of Uncertain Significance. Algorithms developed to predict the effect of missense changes on protein structure and function output the following: SIFT: "Tolerated"; PolyPhen-2: "Benign"; Align-GVGD: "Class C0". The threonine amino acid residue is found in multiple mammalian species, which suggests that this missense change does not adversely affect protein function. This variant has not been reported in the literature in individuals affected with OFD1-related conditions. This variant is not present in population databases (gnomAD no frequency). This sequence change replaces isoleucine, which is neutral and non-polar, with threonine, which is neutral and polar, at codon 324 of the OFD1 protein (p.Ile324Thr).

NM_003611.3(OFD1):c.971T>C (p.Ile324Thr)

Gene: OFD1 (OFD1 centriole and centriolar satellite protein; plus strand). Cytogenetic location: Xp22.2.
Variant type: single nucleotide variant.
Coding change: c.971T>C on transcript NM_003611.3 (MANE Select); coding-DNA position 971, T replaced by C.
Protein change: p.Ile324Thr; replaces isoleucine 324 with threonine.
Molecular consequence: missense variant. On other transcripts: intron variant (1).
Genome position (GRCh38, 1-based): chrX:13,751,284, T>C. VCF-style: chrX-13751284-T-C. GRCh37 (hg19) VCF-style: chrX-13769403-T-C.
Other names: c.551T>C, p.Ile184Thr (NM_001330210.2); c.935+1751T>C (NM_001330209.2); short protein forms I184T, I324T.
Identifiers: ClinVar variation 2031674 (VCV002031674.4), dbSNP rs2518868359, ClinGen allele CA412339589.
Genomic context (GRCh38, chrX:13,751,284, plus strand): 5'-CTTTTTATATTTTTGTTAATTTCAGGAACCAGAAGCTCCAGGAAGAAAAACATAAAAGCA[T>C]AACTGAGGCACTTAGGAGACAGGAGCAGAATATAAAGAGTTTTGAGGAGACCTATGACCG-3'
Protein context (NP_003602.1, residues 314-334): QKLQEEKHKS[Ile324Thr]TEALRRQEQN